The following is an entry in ClinVar:

ClinVar aggregate classification (germline): Pathogenic. Review status: criteria provided, single submitter (1 of 4 stars). 2 submissions from 2 submitters: Pathogenic (1). 1 of the submissions does not count toward it. Last evaluated 2024-03-27.

Conditions:
Hereditary spastic paraplegia 26 (SPG26). Also called: SPASTIC PARAPLEGIA 26, AUTOSOMAL RECESSIVE. Identifiers: Orphanet 101006, MedGen C1836632, MONDO:0012213, OMIM 609195.

Allele frequency attached by ClinVar (database versions not stated): TOPMed below 0.00001.

Submissions (2):

GeneDx
Classification: Pathogenic. Last evaluated: 2024-03-27. Review status: criteria provided, single submitter. Criteria: GeneDx Variant Classification Process June 2021. Collection method: clinical testing. Allele origin: germline. Affected: yes.
Comment: Nonsense variant predicted to result in protein truncation or nonsense mediated decay in a gene for which loss of function is a known mechanism of disease; Not observed at significant frequency in large population cohorts (gnomAD); This variant is associated with the following publications: (PMID: 29747824, 28709807, 23746551, 25141825, 30521973)

OMIM
Classification: Pathogenic for SPASTIC PARAPLEGIA 26, AUTOSOMAL RECESSIVE. Last evaluated: 2013-07-11. Review status: no assertion criteria provided. Collection method: literature only. Allele origin: germline. Not counted in ClinVar's aggregate classification.

Literature cited by the submitters: PubMed 23746551 (cited by OMIM).

NM_001478.5(B4GALNT1):c.358C>T (p.Gln120Ter)

Gene: B4GALNT1 (beta-1,4-N-acetyl-galactosaminyltransferase 1; minus strand). Cytogenetic location: 12q13.3.
Variant type: single nucleotide variant.
Coding change: c.358C>T on transcript NM_001478.5 (MANE Select); coding-DNA position 358, C replaced by T.
Protein change: p.Gln120Ter; replaces glutamine 120 with a stop codon.
Molecular consequence: nonsense. On other transcripts: intron variant (1).
Genome position (GRCh38, 1-based): chr12:57,631,225, G>A on the plus strand (C>T on the coding strand, the complement: B4GALNT1 is on the minus strand). VCF-style: chr12-57631225-G-A. GRCh37 (hg19) VCF-style: chr12-58025008-G-A.
Other names: B4GALNT1, GLN120TER; c.358C>T, p.Gln120Ter (NM_001276469.2); c.219-139C>T (NM_001276468.2); short protein forms Q120*.
Identifiers: ClinVar variation 60526 (VCV000060526.3), dbSNP rs879255241, ClinGen allele CA10575594.